The following is an entry in ClinVar:

NM_000271.5(NPC1):c.1531_1532del (p.Thr511fs)

Gene: NPC1 (NPC intracellular cholesterol transporter 1; minus strand). Cytogenetic location: 18q11.2.
Variant type: Microsatellite.
Coding change: c.1531_1532del on transcript NM_000271.5 (MANE Select); coding-DNA positions 1531 to 1532, 2 bases deleted (AC; older notation c.1531_1532delAC).
Protein change: p.Thr511fs; shifts the reading frame from threonine 511.
Molecular consequence: frameshift variant.
Genome position (GRCh38, 1-based): chr18:23,554,779-23,554,780, GT deleted on the plus strand (AC on the coding strand, the reverse complement: NPC1 is on the minus strand); deleting any 2 consecutive bases within chr18:23,554,779-23,554,783 gives the same sequence; the c. name uses the placement nearest the transcript's 3' end. VCF-style (leftmost placement, unchanged base first): chr18-23554778-CGT-C. GRCh37 (hg19) VCF-style: chr18-21134742-CGT-C.
Other names: short protein forms T511fs.
Identifiers: ClinVar variation 1074872 (VCV001074872.7), dbSNP rs2145446953, ClinGen allele CA2580613285.

ClinVar aggregate classification (germline): Pathogenic (1 of 4 stars; one submission).

Conditions:
Niemann-Pick disease, type C1. Also called: NEUROVISCERAL STORAGE DISEASE WITH VERTICAL SUPRANUCLEAR OPHTHALMOPLEGIA; NIEMANN-PICK DISEASE WITH CHOLESTEROL ESTERIFICATION BLOCK; NIEMANN-PICK DISEASE WITHOUT SPHINGOMYELINASE DEFICIENCY; NIEMANN-PICK DISEASE, CHRONIC NEURONOPATHIC FORM; NIEMANN-PICK DISEASE, VARIANT TYPE C1. Identifiers: Orphanet 646, MedGen C3179455, MONDO:0009757, OMIM 257220.

Submission:

Labcorp Genetics (formerly Invitae), Labcorp
Classification: Pathogenic for Niemann-Pick disease, type C1. Last evaluated: 2020-07-02. Review status: criteria provided, single submitter. Criteria: Invitae Variant Classification Sherloc (09022015). Collection method: clinical testing. Allele origin: germline.
Comment: This sequence change creates a premature translational stop signal (p.Thr511Alafs*14) in the NPC1 gene. It is expected to result in an absent or disrupted protein product. This variant is not present in population databases (ExAC no frequency). This variant has not been reported in the literature in individuals with NPC1-related conditions. Loss-of-function variants in NPC1 are known to be pathogenic (PMID: 9211850). For these reasons, this variant has been classified as Pathogenic.

Literature cited by the submitters: PubMed 9211850.